The following is an entry in ClinVar:

ClinVar aggregate classification (germline): Uncertain significance (1 of 4 stars; one submission).

Conditions:
Fanconi anemia (FA). Also called: Fanconi's anemia. Identifiers: Orphanet 84, MedGen C0015625, MeSH D005199, MONDO:0019391.

Allele frequency attached by ClinVar (database versions not stated): gnomAD exomes 0.00001.
gnomAD v4.1: 4 of 1,608,402 alleles (0.00025%); highest among the groups gnomAD compares: Non-Finnish European, 0.00034%; no homozygotes.

Submission:

Labcorp Genetics (formerly Invitae), Labcorp
Classification: Uncertain significance for Fanconi anemia. Last evaluated: 2022-07-19. Review status: criteria provided, single submitter. Criteria: Invitae Variant Classification Sherloc (09022015). Collection method: clinical testing. Allele origin: germline.
Comment: This sequence change replaces tryptophan, which is neutral and slightly polar, with serine, which is neutral and polar, at codon 364 of the FANCD2 protein (p.Trp364Ser). This variant is not present in population databases (gnomAD no frequency). This variant has not been reported in the literature in individuals affected with FANCD2-related conditions. ClinVar contains an entry for this variant (Variation ID: 1511404). Algorithms developed to predict the effect of missense changes on protein structure and function are either unavailable or do not agree on the potential impact of this missense change (SIFT: "Tolerated"; PolyPhen-2: "Probably Damaging"; Align-GVGD: "Class C0"). In summary, the available evidence is currently insufficient to determine the role of this variant in disease. Therefore, it has been classified as a Variant of Uncertain Significance.

NM_001018115.3(FANCD2):c.1091G>C (p.Trp364Ser)

Genes: FANCD2 (FA complementation group D2; plus strand), LOC107303338 (3p25 FANCD2 Alu-mediated recombination region; plus strand). Cytogenetic location: 3p25.3.
Variant type: single nucleotide variant.
Coding change: c.1091G>C on transcript NM_001018115.3 (MANE Select); coding-DNA position 1091, G replaced by C.
Protein change: p.Trp364Ser; replaces tryptophan 364 with serine.
Molecular consequence: missense variant.
Genome position (GRCh38, 1-based): chr3:10,043,585, G>C. VCF-style: chr3-10043585-G-C. GRCh37 (hg19) VCF-style: chr3-10085269-G-C.
Other names: c.1091G>C, p.Trp364Ser (NM_001319984.2, NM_001374253.1, NM_001374254.1 and 1 more transcripts); short protein forms W364S.
Identifiers: ClinVar variation 1511404 (VCV001511404.5), dbSNP rs2086921184, ClinGen allele CA351731002.